The following is an entry in ClinVar:

ClinVar aggregate classification (germline): Uncertain significance (1 of 4 stars; one submission).

Allele frequency attached by ClinVar (database versions not stated): gnomAD exomes 0.00002; gnomAD 0.00004; TOPMed 0.00004.
gnomAD v4.1: 19 of 1,019,428 alleles (0.0019%); highest among the groups gnomAD compares: Non-Finnish European, 0.0021%; no homozygotes.

Submission:

Labcorp Genetics (formerly Invitae), Labcorp
Classification: Uncertain significance. Last evaluated: 2024-02-06. Review status: criteria provided, single submitter. Criteria: Invitae Variant Classification Sherloc (09022015). Collection method: clinical testing. Allele origin: germline.
Comment: This sequence change replaces tryptophan, which is neutral and slightly polar, with serine, which is neutral and polar, at codon 1061 of the GRIN2D protein (p.Trp1061Ser). The frequency data for this variant in the population databases is considered unreliable, as metrics indicate insufficient coverage at this position in the gnomAD database. This variant has not been reported in the literature in individuals affected with GRIN2D-related conditions. ClinVar contains an entry for this variant (Variation ID: 1361935). Advanced modeling of protein sequence and biophysical properties (such as structural, functional, and spatial information, amino acid conservation, physicochemical variation, residue mobility, and thermodynamic stability) performed at Invitae indicates that this missense variant is not expected to disrupt GRIN2D protein function with a negative predictive value of 95%. In summary, the available evidence is currently insufficient to determine the role of this variant in disease. Therefore, it has been classified as a Variant of Uncertain Significance.

NM_000836.4(GRIN2D):c.3182G>C (p.Trp1061Ser)

Gene: GRIN2D (glutamate ionotropic receptor NMDA type subunit 2D; plus strand). Cytogenetic location: 19q13.33.
Variant type: single nucleotide variant.
Coding change: c.3182G>C on transcript NM_000836.4 (MANE Select); coding-DNA position 3182, G replaced by C.
Protein change: p.Trp1061Ser; replaces tryptophan 1061 with serine.
Molecular consequence: missense variant.
Genome position (GRCh38, 1-based): chr19:48,443,108, G>C. VCF-style: chr19-48443108-G-C. GRCh37 (hg19) VCF-style: chr19-48946365-G-C.
Other names: short protein forms W1061S.
Identifiers: ClinVar variation 1361935 (VCV001361935.6), dbSNP rs927420296, ClinGen allele CA309299073.